The following is an entry in ClinVar:

NM_001369369.1(FOXN1):c.971C>T (p.Ser324Phe)

Gene: FOXN1 (forkhead box N1; plus strand). Cytogenetic location: 17q11.2.
Variant type: single nucleotide variant.
Coding change: c.971C>T on transcript NM_001369369.1 (MANE Select); coding-DNA position 971, C replaced by T.
Protein change: p.Ser324Phe; replaces serine 324 with phenylalanine.
Molecular consequence: missense variant.
Genome position (GRCh38, 1-based): chr17:28,534,374, C>T. VCF-style: chr17-28534374-C-T. GRCh37 (hg19) VCF-style: chr17-26861392-C-T.
Other names: c.971C>T, p.Ser324Phe (NM_003593.3); short protein forms S324F.
Identifiers: ClinVar variation 1374018 (VCV001374018.6), dbSNP rs2069995589, ClinGen allele CA398324513.

ClinVar aggregate classification (germline): Uncertain significance (1 of 4 stars; one submission).

Conditions:
T-cell immunodeficiency, congenital alopecia, and nail dystrophy. Also called: Congenital alopecia and nail dystrophy associated with severe functional T-cell immunodeficiency; Pignata Guarino syndrome. Identifiers: Orphanet 169095, MedGen C1866426, MONDO:0011132, OMIM 601705.

Allele frequency attached by ClinVar (database versions not stated): gnomAD exomes below 0.00001.
gnomAD v4.1: 1 of 1,614,148 alleles (0.000062%); highest among the groups gnomAD compares: Non-Finnish European, 0.000085%; no homozygotes.

Submission:

Labcorp Genetics (formerly Invitae), Labcorp
Classification: Uncertain significance for T-cell immunodeficiency, congenital alopecia, and nail dystrophy. Last evaluated: 2022-08-09. Review status: criteria provided, single submitter. Criteria: Invitae Variant Classification Sherloc (09022015). Collection method: clinical testing. Allele origin: germline.
Comment: This variant has not been reported in the literature in individuals affected with FOXN1-related conditions. This variant is not present in population databases (gnomAD no frequency). This sequence change replaces serine, which is neutral and polar, with phenylalanine, which is neutral and non-polar, at codon 324 of the FOXN1 protein (p.Ser324Phe). Algorithms developed to predict the effect of missense changes on protein structure and function (SIFT, PolyPhen-2, Align-GVGD) all suggest that this variant is likely to be disruptive. In summary, the available evidence is currently insufficient to determine the role of this variant in disease. Therefore, it has been classified as a Variant of Uncertain Significance. ClinVar contains an entry for this variant (Variation ID: 1374018).